The following is an entry in ClinVar:

ClinVar aggregate classification (germline): Benign. Review status: criteria provided, single submitter (1 of 4 stars). 2 submissions from 1 submitter: Benign (2). Last evaluated 2018-01-12.

Conditions:
Charcot-Marie-Tooth disease dominant intermediate B (CMTDIB). Also called: CHARCOT-MARIE-TOOTH NEUROPATHY, DOMINANT INTERMEDIATE B; Charcot-Marie-Tooth disease dominant intermediate 1; CMT DI1; Charcot-Marie-Tooth disease dominant intermediate I. Identifiers: Orphanet 100044, Orphanet 228179, MedGen C1847902, MONDO:0011674, OMIM 606482.
Autosomal dominant centronuclear myopathy. Also called: Myopathy, centronuclear, 3; MYOTUBULAR MYOPATHY, AUTOSOMAL DOMINANT. Identifiers: Orphanet 169189, MedGen C4551952, MeSH D020914, MONDO:0008048, OMIM 160150.

Allele frequency attached by ClinVar (database versions not stated): gnomAD exomes 0.00003; gnomAD 0.00026 and 0.00027; TOPMed 0.00032; 1000 Genomes Project 30x 0.00094; 1000 Genomes Project 0.00100.
gnomAD v4.1: 74 of 1,117,074 alleles (0.0066%); highest among the groups gnomAD compares: African/African-American, 0.098%; no homozygotes.

Submissions (2):

Illumina Laboratory Services, Illumina
Classification: Benign for Charcot-Marie-Tooth disease dominant intermediate B. Last evaluated: 2018-01-12. Review status: criteria provided, single submitter. Criteria: ICSL Variant Classification Criteria 13 December 2019. Collection method: clinical testing. Allele origin: germline.
Comment: This variant was observed in the ICSL laboratory as part of a predisposition screen in an ostensibly healthy population. It had not been previously curated by ICSL or reported in the Human Gene Mutation Database (HGMD: prior to June 1st, 2018), and was therefore a candidate for classification through an automated scoring system. Utilizing variant allele frequency, disease prevalence and penetrance estimates, and inheritance mode, an automated score was calculated to assess if this variant is too frequent to cause the disease. Based on the score and internal cut-off values, a variant classified as benign is not then subjected to further curation. The score for this variant resulted in a classification of benign for this disease.

Illumina Laboratory Services, Illumina
Classification: Benign for Autosomal dominant centronuclear myopathy. Last evaluated: 2018-01-12. Review status: criteria provided, single submitter. Criteria: ICSL Variant Classification Criteria 13 December 2019. Collection method: clinical testing. Allele origin: germline.
Comment: the same text as in the submission from Illumina Laboratory Services, Illumina above.

NM_001005361.3(DNM2):c.*321A>G

Gene: DNM2 (dynamin 2; plus strand). Cytogenetic location: 19p13.2.
Variant type: single nucleotide variant.
Coding change: c.*321A>G on transcript NM_001005361.3 (MANE Select); 321 bases downstream of the stop codon, A replaced by G.
Molecular consequence: 3 prime UTR variant.
Genome position (GRCh38, 1-based): chr19:10,831,368, A>G. VCF-style: chr19-10831368-A-G. GRCh37 (hg19) VCF-style: chr19-10942044-A-G.
Other names: c.*321A>G (NM_001005360.3, NM_001005362.3, NM_001190716.2 and 1 more transcripts).
Identifiers: ClinVar variation 891183 (VCV000891183.4), dbSNP rs149937994, ClinGen allele CA305273095.